The following is an entry in ClinVar:

NM_001289104.2(PRKCSH):c.823G>A (p.Ala275Thr)

Gene: PRKCSH (PRKCSH beta subunit of glucosidase II; plus strand). Cytogenetic location: 19p13.2.
Variant type: single nucleotide variant.
Coding change: c.823G>A on transcript NM_001289104.2 (MANE Select); coding-DNA position 823, G replaced by A.
Protein change: p.Ala275Thr; replaces alanine 275 with threonine.
Molecular consequence: missense variant.
Genome position (GRCh38, 1-based): chr19:11,447,134, G>A. VCF-style: chr19-11447134-G-A. GRCh37 (hg19) VCF-style: chr19-11557949-G-A.
Other names: c.823G>A, p.Ala275Thr (NM_001001329.3, NM_001289102.2, NM_001289103.2 and 3 more transcripts); short protein forms A275T.
Identifiers: ClinVar variation 328183 (VCV000328183.11), dbSNP rs142339453, ClinGen allele CA9213012.
Genomic context (GRCh38, chr19:11,447,134, plus strand): 5'-GCCCTCCTCAGTGGGGACACACAGACAGACGCCACCTCTTTCTACGACCGCGTCTGGGCC[G>A]CCATCAGGGACAAGTACCGGTCCGAGGTCAGTGGAGGAGAAGGGAGGGGACTTGGTCCTC-3'
Protein context (NP_001276033.1, residues 265-285): ATSFYDRVWA[Ala275Thr]IRDKYRSEAL

ClinVar aggregate classification (germline): Conflicting classifications of pathogenicity. Review status: criteria provided, conflicting classifications (1 of 4 stars). 4 submissions from 4 submitters: Uncertain significance (1); Likely benign (2). 1 of the submissions does not count toward it. Last evaluated 2025-10-19.

Conditions:
Polycystic liver disease 1 (PCLD1). Also called: Polycystic liver disease 1 with or without kidney cysts. Identifiers: Orphanet 2924, MedGen C0887850, MONDO:0008265, OMIM 174050.
Inborn genetic diseases. Identifiers: MedGen C0950123, MeSH D030342.

Allele frequency attached by ClinVar (database versions not stated): ExAC 0.00015; 1000 Genomes Project 30x 0.00016; TOPMed 0.00017; gnomAD 0.00019 and 0.00023; 1000 Genomes Project 0.00020; ESP Exome Variant Server 0.00023.
gnomAD v4.1: 157 of 1,613,944 alleles (0.0097%); highest among the groups gnomAD compares: Middle Eastern, 0.099%; no homozygotes.

Submissions (4):

Labcorp Genetics (formerly Invitae), Labcorp
Classification: Likely benign. Last evaluated: 2025-10-19. Review status: criteria provided, single submitter. Criteria: Invitae Variant Classification Sherloc (09022015). Collection method: clinical testing. Allele origin: germline.

Ambry Genetics
Classification: Uncertain significance for Inborn genetic diseases. Last evaluated: 2021-12-03. Review status: criteria provided, single submitter. Criteria: Ambry Variant Classification Scheme 2023. Collection method: clinical testing. Allele origin: germline.

Illumina Laboratory Services, Illumina
Classification: Likely benign for Polycystic liver disease 1. Last evaluated: 2018-01-12. Review status: criteria provided, single submitter. Criteria: ICSL Variant Classification Criteria 13 December 2019. Collection method: clinical testing. Allele origin: germline.
Comment: This variant was observed in the ICSL laboratory as part of a predisposition screen in an ostensibly healthy population. It had not been previously curated by ICSL or reported in the Human Gene Mutation Database (HGMD: prior to June 1st, 2018), and was therefore a candidate for classification through an automated scoring system. Utilizing variant allele frequency, disease prevalence and penetrance estimates, and inheritance mode, an automated score was calculated to assess if this variant is too frequent to cause the disease. Based on the score and internal cut-off values, a variant classified as likely benign is not then subjected to further curation. The score for this variant resulted in a classification of likely benign for this disease.

Genetic Services Laboratory, University of Chicago
Classification: Likely benign. Last evaluated: 2022-11-23. Review status: no assertion criteria provided. Collection method: clinical testing. Allele origin: germline. Affected: no. Not counted in ClinVar's aggregate classification.